The following is an entry in ClinVar:

NM_138694.4(PKHD1):c.2474_2475insTGGC (p.Ser826fs)

Gene: PKHD1 (PKHD1 ciliary IPT domain containing fibrocystin/polyductin; minus strand). Cytogenetic location: 6p12.2.
Variant type: Insertion.
Coding change: c.2474_2475insTGGC on transcript NM_138694.4 (MANE Select); coding-DNA positions 2474 to 2475, TGGC inserted.
Protein change: p.Ser826fs; shifts the reading frame from serine 826.
Molecular consequence: frameshift variant.
Genome position: GRCh38 VCF-style: chr6-52046121-T-TGCCA. GRCh37 (hg19) VCF-style: chr6-51910919-T-TGCCA.
Other names: c.2474_2475insTGGC, p.Ser826fs (NM_170724.3); short protein forms S826fs.
Identifiers: ClinVar variation 1724019 (VCV001724019.2), dbSNP rs2533123818, ClinGen allele CA2580075520.

ClinVar aggregate classification (germline): Likely pathogenic (1 of 4 stars; one submission).

Conditions:
Polycystic kidney disease 4 (PKD4). Also called: POLYCYSTIC KIDNEY AND HEPATIC DISEASE 1; POLYCYSTIC KIDNEY DISEASE, INFANTILE, TYPE I; POLYCYSTIC KIDNEY DISEASE 4 WITH OR WITHOUT POLYCYSTIC LIVER DISEASE; PKD3; Autosomal Recessive Polycystic Kidney Disease – PKHD1. Identifiers: MedGen C4540575, MONDO:0033004, OMIM 263200.

Submission:

Myriad Genetics, Inc.
Classification: Likely pathogenic for Polycystic kidney disease 4. Last evaluated: 2022-01-23. Review status: criteria provided, single submitter. Criteria: Myriad Women's Health Autosomal Recessive and X-Linked Classification Criteria (2021). Collection method: clinical testing. Allele origin: unknown.
Comment: NM_138694.3(PKHD1):c.2474_2475insTGGC(S826Gfs*9) is expected to be pathogenic in the context of autosomal recessive polycystic kidney disease, PKHD1-related. This variant is predicted to lead to an abnormal or absent protein product due to the creation of a premature termination codon in PKHD1, a gene where loss-of-function variants are known to be pathogenic. Please note: this variant was assessed in the context of healthy population screening.